The following is an entry in ClinVar:

NM_000463.3(UGT1A1):c.380_381insGG (p.Cys127fs)

Genes: UGT1A1 (UDP glucuronosyltransferase family 1 member A1; plus strand), UGT1A10 (UDP glucuronosyltransferase family 1 member A10; plus strand), UGT1A3 (UDP glucuronosyltransferase family 1 member A3; plus strand), UGT1A4 (UDP glucuronosyltransferase family 1 member A4; plus strand), UGT1A5 (UDP glucuronosyltransferase family 1 member A5; plus strand) and 5 more. Cytogenetic location: 2q37.1.
Variant type: Insertion.
Coding change: c.380_381insGG on transcript NM_000463.3 (MANE Select); coding-DNA positions 380 to 381, GG inserted.
Protein change: p.Cys127fs; shifts the reading frame from cysteine 127.
Molecular consequence: frameshift variant. On other transcripts: intron variant (9).
Genome position: GRCh38 VCF-style: chr2-233760666-T-TGG. GRCh37 (hg19) VCF-style: chr2-234669312-T-TGG.
Other names: c.856-6367_856-6366insGG (NM_019076.5, NM_019075.4, NM_021027.3 and 1 more transcripts); c.61-6367_61-6366insGG (NM_205862.3); c.862-6367_862-6366insGG (NM_001072.4); c.868-6367_868-6366insGG (NM_019078.2, NM_007120.3, NM_019093.4); short protein forms C127fs.
Identifiers: ClinVar variation 1164006 (VCV001164006.4), dbSNP rs2125987009, ClinGen allele CA2499215796.

ClinVar aggregate classification (germline): Pathogenic. Review status: criteria provided, single submitter (1 of 4 stars). 2 submissions from 2 submitters: Pathogenic (1). 1 of the submissions does not count toward it. Last evaluated 2025-09-09.

Conditions:
Crigler-Najjar syndrome type 1. Also called: HYPERBILIRUBINEMIA, CRIGLER-NAJJAR TYPE I. Identifiers: Orphanet 79234, MedGen C0010324, MONDO:0021020, OMIM 218800.
UGT1A1-related disorder. Also called: UGT1A1-related disorders; UGT1A1-related condition.

Submissions (2):

PreventionGenetics, part of Exact Sciences
Classification: Pathogenic for UGT1A1-related condition. Last evaluated: 2025-09-09. Review status: criteria provided, single submitter. Criteria: ACMG Guidelines, 2015. Collection method: clinical testing. Allele origin: germline.
Comment: The UGT1A1 c.380_381insGG variant is predicted to result in a frameshift and premature protein termination (p.Cys127Trpfs*24). This variant was reported in the homozygous state in an individual with Crigler-Najjar syndrome (Maruo et al. 2015. PubMed ID: 26697581). This variant has not been reported in a large population database (gnomAD), indicating this variant is rare. Frameshift variants in UGT1A1 are expected to be pathogenic. This variant is interpreted as pathogenic.

Neonatal Research Center, Shiraz University of Medical Science
Classification: Pathogenic for Crigler-Najjar syndrome type 1. Last evaluated: 2021-02-05. Review status: no assertion criteria provided. Collection method: research. Allele origin: germline. Inheritance: Autosomal recessive inheritance. Affected: yes. Observed: 1 variant allele, 1 homozygote. Not counted in ClinVar's aggregate classification.
Comment: The c.379_380insGG; p.C127fs variant is a null variant (frameshift) in the UGT1A1 gene. Loss-of-function mutation is a known mechanism of Criglerâ€“Najjar syndrome type I (CNS-1). This variant is assumed de novo, but without confirmation of paternity and maternity. Cosegregation with CNS-1 disease in multiple affected family members in a gene definitively known to cause the disease. The protein structure homology model showed that the c.379_380insGG disrupt the reading frame and result in a truncated protein formation.